The following is an entry in ClinVar:

NM_005802.5(TOPORS):c.2393A>G (p.Tyr798Cys)

Gene: TOPORS (TOP1 binding arginine/serine rich protein, E3 ubiquitin ligase; minus strand). Cytogenetic location: 9p21.1.
Variant type: single nucleotide variant.
Coding change: c.2393A>G on transcript NM_005802.5 (MANE Select); coding-DNA position 2393, A replaced by G.
Protein change: p.Tyr798Cys; replaces tyrosine 798 with cysteine.
Molecular consequence: missense variant.
Genome position (GRCh38, 1-based): chr9:32,542,132, T>C on the plus strand (A>G on the coding strand, the complement: TOPORS is on the minus strand). VCF-style: chr9-32542132-T-C. GRCh37 (hg19) VCF-style: chr9-32542130-T-C.
Other names: c.2198A>G, p.Tyr733Cys (NM_001195622.2); short protein forms Y798C, Y733C.
Identifiers: ClinVar variation 1374522 (VCV001374522.7), dbSNP rs1821073452, ClinGen allele CA373163904.

ClinVar aggregate classification (germline): Uncertain significance. Review status: criteria provided, multiple submitters, no conflicts (2 of 4 stars). 2 submissions from 2 submitters: Uncertain significance (2). Last evaluated 2022-02-18.

Submissions (2):

Blueprint Genetics
Classification: Uncertain significance. Last evaluated: 2022-02-18. Review status: criteria provided, single submitter. Criteria: ACMG Guidelines, 2015. Collection method: clinical testing. Allele origin: germline.

Labcorp Genetics (formerly Invitae), Labcorp
Classification: Uncertain significance. Last evaluated: 2021-08-12. Review status: criteria provided, single submitter. Criteria: Invitae Variant Classification Sherloc (09022015). Collection method: clinical testing. Allele origin: germline.
Comment: Algorithms developed to predict the effect of missense changes on protein structure and function are either unavailable or do not agree on the potential impact of this missense change (SIFT: "Tolerated"; PolyPhen-2: "Not Available"; Align-GVGD: "Class C0"). In summary, the available evidence is currently insufficient to determine the role of this variant in disease. Therefore, it has been classified as a Variant of Uncertain Significance. This variant has not been reported in the literature in individuals affected with TOPORS-related conditions. This variant is not present in population databases (ExAC no frequency). This sequence change replaces tyrosine with cysteine at codon 798 of the TOPORS protein (p.Tyr798Cys). The tyrosine residue is highly conserved and there is a large physicochemical difference between tyrosine and cysteine.